The following is an entry in ClinVar:

ClinVar aggregate classification (germline): Pathogenic (1 of 4 stars; one submission).

Conditions:
Chuvash polycythemia. Also called: POLYCYTHEMIA, VHL-DEPENDENT. Identifiers: Orphanet 238557, MedGen C1837915, MONDO:0009892, OMIM 263400.
Von Hippel-Lindau syndrome (VHLS). Also called: Von Hippel-Lindau; von Hippel–Lindau syndrome; VHL syndrome. Identifiers: Orphanet 892, MedGen C0019562, MONDO:0008667, OMIM 193300. Disease mechanism: loss of function.

Submission:

Labcorp Genetics (formerly Invitae), Labcorp
Classification: Pathogenic for Von Hippel-Lindau syndrome; Chuvash polycythemia. Last evaluated: 2016-09-03. Review status: criteria provided, single submitter. Criteria: Invitae Variant Classification Sherloc (09022015). Collection method: clinical testing. Allele origin: germline.
Comment: This variant is a gross deletion of the genomic region encompassing exon 2 of the VHL gene. This leads to an in-frame deletion, preserving the integrity of the reading frame. Deletions of exon 2 have been reported in numerous individuals and families affected with von Hippel-Lindau disease (PMID: 19764026, 19280651, 16884328, 12114495). Experimental studies have shown that deletion of exon 2 leads to expression of a stable VHL protein lacking 41 amino acid residues. This region encodes for the beta-domain of the VHL protein that is essential for proper protein function (PMID: 11024059). For these reasons, this variant has been classified as Pathogenic.

NC_000003.12:g.(?_10146514)_(10146636_?)del

Genes: VHL (von Hippel-Lindau tumor suppressor; plus strand), LOC107303340 (3p25 von Hippel-Lindau tumor suppressor, E3 ubiquitin protein ligase Alu-mediated recombination region; plus strand). Cytogenetic location: 3p25.3.
Variant type: Deletion.
Identifiers: ClinVar variation 417615 (VCV000417615.1).